The following is an entry in ClinVar:

NM_000384.3(APOB):c.13013G>A (p.Ser4338Asn)

Gene: APOB (apolipoprotein B; minus strand). Cytogenetic location: 2p24.1.
Variant type: single nucleotide variant.
Coding change: c.13013G>A on transcript NM_000384.3 (MANE Select); coding-DNA position 13013, G replaced by A.
Protein change: p.Ser4338Asn; replaces serine 4338 with asparagine.
Molecular consequence: missense variant.
Genome position (GRCh38, 1-based): chr2:21,002,409, C>T on the plus strand (G>A on the coding strand, the complement: APOB is on the minus strand). VCF-style: chr2-21002409-C-T. GRCh37 (hg19) VCF-style: chr2-21225281-C-T.
Other names: p.Ser4338Asn; short protein forms S4338N.
Identifiers: ClinVar variation 128418 (VCV000128418.50), dbSNP rs1042034, ClinGen allele CA022788.
Genomic context (GRCh38, chr2:21,002,409, plus strand): 5'-TTATGAAGATTAAGGCATAGGTTTTCTTTCAACAATTTAAAAACATATGGGATATAATCA[C>T]TGAAGATTGTGTTGATCTCATCTTGGATATAATTAATAAGATAAGTAAATTTCATCTCTT-3'
Protein context (NP_000375.3, residues 4328-4348): YIQDEINTIF[Ser4338Asn]DYIPYVFKLL

ClinVar aggregate classification (germline): Benign. Review status: criteria provided, multiple submitters, no conflicts (2 of 4 stars). 23 submissions from 21 submitters: Benign (17). 6 of the submissions do not count toward it. Last evaluated 2026-02-04.

Conditions:
Cardiovascular phenotype. Identifiers: MedGen CN230736.
Hypercholesterolemia, autosomal dominant, type B (FHCL2). Also called: Familial Hypercholesterolemia Type B; APOLIPOPROTEIN B-100, FAMILIAL DEFECTIVE; APOLIPOPROTEIN B-100, FAMILIAL LIGAND-DEFECTIVE; HYPERCHOLESTEROLEMIA, FAMILIAL, DUE TO LIGAND-DEFECTIVE APOLIPOPROTEIN B; Hyperlipoproteinemia Type IIb; Familial hypercholesterolemia 2. Identifiers: MedGen C1704417, MONDO:0007751, OMIM 144010.
Familial hypobetalipoproteinemia 1. Also called: Hypobetalipoproteinemia, normotriglyceridemic; Acanthocytosis with hypobetalipoproteinemia; APOB-Related Familial Hypobetalipoproteinemia. Identifiers: MedGen C4551990, MONDO:0014252, OMIM 615558.
Familial hypercholesterolemia. Also called: Familial hypercholesterolemias; Familial hypercholesterolaemia. Identifiers: MedGen C0020445, MONDO:0005439.
Hypercholesterolemia, familial, 1. Also called: LDL RECEPTOR DISORDER; Hyperlipoproteinemia Type IIa; HYPER-LOW-DENSITY-LIPOPROTEINEMIA; HYPERCHOLESTEROLEMIC XANTHOMATOSIS, FAMILIAL; Fredrickson type IIa hyperlipoproteinemia; Hyperlipoproteinemia type 2. Identifiers: Orphanet 391665, MedGen C0745103, MONDO:0007750, OMIM 143890.
Warfarin response. Also called: Warfarin sensitivity; COUMARIN SENSITIVITY; COUMARIN, POOR METABOLISM OF; WARFARIN RESISTANCE; Coumarin resistance; Coumadin response. Identifiers: MedGen C0750384, MONDO:0007390, OMIM 122700.

Allele frequency attached by ClinVar (database versions not stated): 1000 Genomes Project 0.62959; 1000 Genomes Project 30x 0.64085; ExAC 0.70574; gnomAD 0.76948; TOPMed 0.77844; ESP Exome Variant Server 0.80297.
gnomAD v4.1: 1,209,586 of 1,598,072 alleles (76%); highest among the groups gnomAD compares: African/African-American, 85%; 468,513 homozygotes.

Submissions (23):

Labcorp Genetics (formerly Invitae), Labcorp
Classification: Benign for Familial hypobetalipoproteinemia 1; Hypercholesterolemia, autosomal dominant, type B. Last evaluated: 2026-02-04. Review status: criteria provided, single submitter. Criteria: Invitae Variant Classification Sherloc (09022015). Collection method: clinical testing. Allele origin: germline.

ARUP Laboratories, Molecular Genetics and Genomics, ARUP Laboratories
Classification: Benign. Last evaluated: 2025-07-30. Review status: criteria provided, single submitter. Criteria: ARUP Molecular Germline Variant Investigation Process 2024. Collection method: clinical testing. Allele origin: germline.

Molecular Diagnostic Laboratory for Inherited Cardiovascular Disease, Montreal Heart Institute
Classification: Benign. Last evaluated: 2025-04-09. Review status: criteria provided, single submitter. Criteria: ACMG Guidelines, 2015. Collection method: clinical testing. Allele origin: germline. Affected: no.
Comment: BA1

Blueprint Genetics
Classification: Benign. Last evaluated: 2024-11-26. Review status: criteria provided, single submitter. Criteria: ACMG Guidelines, 2015. Collection method: clinical testing. Allele origin: germline.

GENinCode PLC
Classification: Benign for Familial hypercholesterolemia. Last evaluated: 2022-06-19. Review status: criteria provided, single submitter. Criteria: ACMG Guidelines, 2015. Collection method: clinical testing. Allele origin: germline.

Genome-Nilou Lab
Classification: Benign for Hypercholesterolemia, autosomal dominant, type B. Last evaluated: 2021-07-14. Review status: criteria provided, single submitter. Criteria: ACMG Guidelines, 2015. Collection method: clinical testing. Allele origin: germline. Affected: no.

Genome-Nilou Lab
Classification: Benign for Familial hypobetalipoproteinemia 1. Last evaluated: 2021-07-14. Review status: criteria provided, single submitter. Criteria: ACMG Guidelines, 2015. Collection method: clinical testing. Allele origin: germline. Affected: no.

Illumina Laboratory Services, Illumina
Classification: Benign for Familial hypobetalipoproteinemia 1. Last evaluated: 2018-01-13. Review status: criteria provided, single submitter. Criteria: ICSL Variant Classification Criteria 13 December 2019. Collection method: clinical testing. Allele origin: germline.
Comment: This variant was observed in the ICSL laboratory as part of a predisposition screen in an ostensibly healthy population. It had not been previously curated by ICSL or reported in the Human Gene Mutation Database (HGMD: prior to June 1st, 2018), and was therefore a candidate for classification through an automated scoring system. Utilizing variant allele frequency, disease prevalence and penetrance estimates, and inheritance mode, an automated score was calculated to assess if this variant is too frequent to cause the disease. Based on the score and internal cut-off values, a variant classified as benign is not then subjected to further curation. The score for this variant resulted in a classification of benign for this disease.

Illumina Laboratory Services, Illumina
Classification: Benign for Hypercholesterolemia, autosomal dominant, type B. Last evaluated: 2018-01-13. Review status: criteria provided, single submitter. Criteria: ICSL Variant Classification Criteria 13 December 2019. Collection method: clinical testing. Allele origin: germline.
Comment: the same text as in the submission from Illumina Laboratory Services, Illumina above.

Color Diagnostics, LLC DBA Color Health
Classification: Benign for Familial hypercholesterolemia. Last evaluated: 2017-06-27. Review status: criteria provided, single submitter. Criteria: ACMG Guidelines, 2015. Collection method: clinical testing. Allele origin: germline.

GeneDx
Classification: Benign. Last evaluated: 2016-09-30. Review status: criteria provided, single submitter. Criteria: GeneDx Variant Classification (06012015). Collection method: clinical testing. Allele origin: germline. Affected: yes.
Comment: This variant is considered likely benign or benign based on one or more of the following criteria: it is a conservative change, it occurs at a poorly conserved position in the protein, it is predicted to be benign by multiple in silico algorithms, and/or has population frequency not consistent with disease.

Cardiovascular Research Group, Instituto Nacional de Saude Doutor Ricardo Jorge
Classification: Benign for Familial hypercholesterolemia. Last evaluated: 2016-03-01. Review status: criteria provided, single submitter. Criteria: ACMG Guidelines, 2015. Collection method: research. Allele origin: germline. Affected: yes.

Laboratory of Genetics and Molecular Cardiology, University of São Paulo
Classification: Benign for Familial hypercholesterolemia. Last evaluated: 2016-03-01. Review status: criteria provided, single submitter. Criteria: ACMG Guidelines, 2015. Collection method: research. Allele origin: germline. Study: HipercolBrasil.

Ambry Genetics
Classification: Benign for Cardiovascular phenotype. Last evaluated: 2015-12-08. Review status: criteria provided, single submitter. Criteria: Ambry Variant Classification Scheme 2023. Collection method: clinical testing. Allele origin: germline.

Mayo Clinic Laboratories, Mayo Clinic
Classification: Benign. Last evaluated: 2014-01-31. Review status: criteria provided, single submitter. Criteria: ACMG Guidelines, 2015. Collection method: clinical testing. Allele origin: germline. Observed: 1,221 variant alleles.

Breakthrough Genomics
Classification: Benign. Review status: criteria provided, single submitter. Criteria: ACMG Guidelines, 2015. Collection method: not provided. Allele origin: germline. Inheritance: Autosomal recessive inheritance. Affected: yes.

PreventionGenetics, part of Exact Sciences
Classification: Benign. Review status: criteria provided, single submitter. Criteria: ACMG Guidelines, 2015. Collection method: clinical testing. Allele origin: germline.

Cohesion Phenomics
Classification: Likely benign for Familial hypercholesterolemia. Last evaluated: 2023-02-09. Review status: no assertion criteria provided. Criteria: ACMG Guidelines, 2015. Collection method: clinical testing. Allele origin: germline. Affected: yes. Not counted in ClinVar's aggregate classification.

Pharmacogenomics Lab, Chungbuk National University
Classification: drug response for Warfarin response. Last evaluated: 2010-08-31. Review status: no assertion criteria provided. Collection method: research. Allele origin: unknown. Affected: no. Observed: 66 variant alleles. Not counted in ClinVar's aggregate classification.

Clinical Genetics, Academic Medical Center
Classification: Benign. Review status: no assertion criteria provided. Collection method: clinical testing. Allele origin: germline. Affected: yes. Study: VKGL Data-share Consensus. Not counted in ClinVar's aggregate classification.

Diagnostic Laboratory, Department of Genetics, University Medical Center Groningen
Classification: Benign. Review status: no assertion criteria provided. Collection method: clinical testing. Allele origin: germline. Affected: yes. Study: VKGL Data-share Consensus. Not counted in ClinVar's aggregate classification.

Genetic Services Laboratory, University of Chicago
Classification: Likely benign for AllHighlyPenetrant. Review status: no assertion criteria provided. Collection method: clinical testing. Allele origin: germline. Inheritance: Autosomal dominant inheritance. Not counted in ClinVar's aggregate classification.
Comment: Likely benign based on allele frequency in 1000 Genomes Project or ESP global frequency and its presence in a patient with a rare or unrelated disease phenotype. NOT Sanger confirmed.

Laboratorium voor Moleculaire Diagnostiek Experimentele Vasculaire Geneeskunde, Academisch Medisch Centrum
Classification: Benign. Review status: no assertion criteria provided. Collection method: research. Allele origin: germline. Not counted in ClinVar's aggregate classification.